The following is an entry in ClinVar:

NM_007068.4(DMC1):c.490A>G (p.Thr164Ala)

Gene: DMC1 (DNA meiotic recombinase 1; minus strand). Cytogenetic location: 22q13.1.
Variant type: single nucleotide variant.
Coding change: c.490A>G on transcript NM_007068.4 (MANE Select); coding-DNA position 490, A replaced by G.
Protein change: p.Thr164Ala; replaces threonine 164 with alanine.
Molecular consequence: missense variant. On other transcripts: intron variant (2).
Genome position (GRCh38, 1-based): chr22:38,549,929, T>C on the plus strand (A>G on the coding strand, the complement: DMC1 is on the minus strand). VCF-style: chr22-38549929-T-C. GRCh37 (hg19) VCF-style: chr22-38945934-T-C.
Other names: c.421+2737A>G (NM_001363017.2, NM_001278208.2); short protein forms T164A.
Identifiers: ClinVar variation 3629599 (VCV003629599.2).

ClinVar aggregate classification (germline): Likely pathogenic (0 of 4 stars; one submission).

Conditions:
Non-obstructive azoospermia. Identifiers: MedGen C4021107, HP:0011961.

gnomAD v4.1: 5 of 1,610,966 alleles (0.00031%); highest among the groups gnomAD compares: Middle Eastern, 0.017%; no homozygotes.

Submission:

Yatsenko Laboratory, Magee-Womens Research Institute, University of Pittsburgh
Classification: Likely pathogenic for Non-obstructive azoospermia. Last evaluated: 2025-01-21. Review status: no assertion criteria provided. Collection method: clinical testing. Allele origin: unknown. Affected: yes.
Comment: The variant g.38549929_38549929T>C (p.Thr164Ala) in the DMC1 gene has an MAF of 0.000003104 in the general population according to gnomAD v.4.1.0. The overall allele count is 5 across the Mixed Eastern, Admixed American, and European (non-Finnish) subpopulations with three males and two females carrying the variant; no homozygous individuals for this variant have been previously reported. Previous homozygous missense variants have been identified as likely causal for NOA in Kherraf et al., 2022 (2 variants) and He et al., 2018 (1 variant), and a homozygous frameshift variant was reported in Cao et al., 2021. In 2018, Signh et al. demonstrated that DMC1 was significantly downregulated in patients with hypospermatogenesis. In both knockout and knock-in missense mouse models, homozygous male mice were infertile (Yoshida et al., 1998, Bishop et al., 1992; Boateng et al., 2013); further, a dominant missense male mouse and dominant yeast model was created (Bannister et al. 2007). In silico predictors predict this variant to be "pathogenic" (Polyphen) and "damaging" (SIFT, MutationTaster, CADD, REVEL). Protein modeling suggests that this variant coordinates the calcium ion in the ATP-binding site of DMC1 and loss of this polar side chain would potentially impact activity of the ATPase function of the enzyme. Through sequence alignment, we have also found that this position in the protein is highly conserved across chimpanzees, dogs, mice, rats, chick, fish, and humans (among other species), suggesting its evolutionary importance.